The following is an entry in ClinVar:

NM_014780.5(CUL7):c.3665G>A (p.Arg1222Gln)

Gene: CUL7 (cullin 7; minus strand). Cytogenetic location: 6p21.1.
Variant type: single nucleotide variant.
Coding change: c.3665G>A on transcript NM_014780.5 (MANE Select); coding-DNA position 3665, G replaced by A.
Protein change: p.Arg1222Gln; replaces arginine 1222 with glutamine.
Molecular consequence: missense variant.
Genome position (GRCh38, 1-based): chr6:43,041,056, C>T on the plus strand (G>A on the coding strand, the complement: CUL7 is on the minus strand). VCF-style: chr6-43041056-C-T. GRCh37 (hg19) VCF-style: chr6-43008794-C-T.
Other names: c.3761G>A, p.Arg1254Gln (NM_001168370.2, NM_001374872.1); c.3665G>A, p.Arg1222Gln (NM_001374873.1); c.3662G>A, p.Arg1221Gln (NM_001374874.1); short protein forms R1222Q, R1221Q, R1254Q.
Identifiers: ClinVar variation 2163923 (VCV002163923.1), dbSNP rs141899283, ClinGen allele CA3813414.
Genomic context (GRCh38, chr6:43,041,056, plus strand): 5'-AGCCTCTCCATTTCCTGGGCTCCACCGATCCGGCTGCCCTGGATCTGCTGGTCAATGTGC[C>T]GGGCGAACTGCTCACTCACCTGAGCAATGGCAGAGCACAGGAAAGCCATGAATGAGCGAG-3'
Protein context (NP_055595.2, residues 1212-1232): KAAHVSEQFA[Arg1222Gln]HIDQQIQGSR

ClinVar aggregate classification (germline): Uncertain significance (1 of 4 stars; one submission).

Allele frequency attached by ClinVar (database versions not stated): gnomAD exomes 0.00002; TOPMed 0.00002; ExAC 0.00003; gnomAD 0.00004; ESP Exome Variant Server 0.00008; 1000 Genomes Project 0.00020; 1000 Genomes Project 30x 0.00031.
gnomAD v4.1: 39 of 1,613,898 alleles (0.0024%); highest among the groups gnomAD compares: African/African-American, 0.0093%; no homozygotes.

Submission:

Labcorp Genetics (formerly Invitae), Labcorp
Classification: Uncertain significance. Last evaluated: 2021-12-20. Review status: criteria provided, single submitter. Criteria: Invitae Variant Classification Sherloc (09022015). Collection method: clinical testing. Allele origin: germline.
Comment: This sequence change replaces arginine, which is basic and polar, with glutamine, which is neutral and polar, at codon 1222 of the CUL7 protein (p.Arg1222Gln). This variant is present in population databases (rs141899283, gnomAD 0.007%). This variant has not been reported in the literature in individuals affected with CUL7-related conditions. Algorithms developed to predict the effect of missense changes on protein structure and function are either unavailable or do not agree on the potential impact of this missense change (SIFT: "Tolerated"; PolyPhen-2: "Probably Damaging"; Align-GVGD: "Class C0"). In summary, the available evidence is currently insufficient to determine the role of this variant in disease. Therefore, it has been classified as a Variant of Uncertain Significance.